The following is an entry in ClinVar:

NM_014991.6(WDFY3):c.9800A>G (p.Glu3267Gly)

Gene: WDFY3 (WD repeat and FYVE domain containing 3; minus strand). Cytogenetic location: 4q21.23.
Variant type: single nucleotide variant.
Coding change: c.9800A>G on transcript NM_014991.6 (MANE Select); coding-DNA position 9800, A replaced by G.
Protein change: p.Glu3267Gly; replaces glutamic acid 3267 with glycine.
Molecular consequence: missense variant.
Genome position (GRCh38, 1-based): chr4:84,682,397, T>C on the plus strand (A>G on the coding strand, the complement: WDFY3 is on the minus strand). VCF-style: chr4-84682397-T-C. GRCh37 (hg19) VCF-style: chr4-85603550-T-C.
Other names: short protein forms E3267G.
Identifiers: ClinVar variation 4537545 (VCV004537545.1).
Genomic context (GRCh38, chr4:84,682,397, plus strand): 5'-AAAACGATTTGAGTCATTTTTAGAAAGTATTAAATACCTATTTGTGCTTCTGGACAGTCT[T>C]CCTGCATTTCTAGGACTTCAGCAGGCTCAGGAGCTGGTGTTTCAGGAACTTGCAAAAATT-3'
Protein context (NP_055806.2, residues 3257-3277): PEPAEVLEMQ[Glu3267Gly]DCPEAQIGQE

ClinVar aggregate classification (germline): Uncertain significance (1 of 4 stars; one submission).

Submission:

GeneDx
Classification: Uncertain significance. Last evaluated: 2025-06-11. Review status: criteria provided, single submitter. Criteria: GeneDx Variant Classification Process June 2021. Collection method: clinical testing. Allele origin: germline. Affected: yes.
Comment: Not observed at significant frequency in large population cohorts (gnomAD); In silico analysis suggests that this missense variant does not alter protein structure/function; Has not been previously published as pathogenic or benign to our knowledge